The following is an entry in ClinVar:

ClinVar aggregate classification (germline): Uncertain significance (1 of 4 stars; one submission).

Conditions:
Leukocyte adhesion deficiency 1 (LAD1). Also called: LEUKOCYTE ADHESION DEFICIENCY, TYPE I; LAD 1; Lymphocyte function-associated antigen 1 immunodeficiency; LFA 1 immunodeficiency. Identifiers: Orphanet 2968, Orphanet 99842, MedGen C0398738, MONDO:0007293, OMIM 116920.

Allele frequency attached by ClinVar (database versions not stated): gnomAD 0.00002; gnomAD exomes 0.00003 and 0.00006; ExAC 0.00005.
gnomAD v4.1: 44 of 1,609,774 alleles (0.0027%); highest among the groups gnomAD compares: South Asian, 0.044%; no homozygotes.

Submission:

Labcorp Genetics (formerly Invitae), Labcorp
Classification: Uncertain significance for Leukocyte adhesion deficiency 1. Last evaluated: 2022-07-06. Review status: criteria provided, single submitter. Criteria: Invitae Variant Classification Sherloc (09022015). Collection method: clinical testing. Allele origin: germline.
Comment: This sequence change replaces lysine, which is basic and polar, with arginine, which is basic and polar, at codon 357 of the ITGB2 protein (p.Lys357Arg). This variant is present in population databases (rs530620955, gnomAD 0.05%). This variant has not been reported in the literature in individuals affected with ITGB2-related conditions. ClinVar contains an entry for this variant (Variation ID: 1056441). Algorithms developed to predict the effect of missense changes on protein structure and function (SIFT, PolyPhen-2, Align-GVGD) all suggest that this variant is likely to be tolerated. Algorithms developed to predict the effect of sequence changes on RNA splicing suggest that this variant may create or strengthen a splice site. In summary, the available evidence is currently insufficient to determine the role of this variant in disease. Therefore, it has been classified as a Variant of Uncertain Significance.

NM_000211.5(ITGB2):c.1070A>G (p.Lys357Arg)

Gene: ITGB2 (integrin subunit beta 2; minus strand). Cytogenetic location: 21q22.3.
Variant type: single nucleotide variant.
Coding change: c.1070A>G on transcript NM_000211.5 (MANE Select); coding-DNA position 1070, A replaced by G.
Protein change: p.Lys357Arg; replaces lysine 357 with arginine.
Molecular consequence: missense variant.
Genome position (GRCh38, 1-based): chr21:44,894,984, T>C on the plus strand (A>G on the coding strand, the complement: ITGB2 is on the minus strand). VCF-style: chr21-44894984-T-C. GRCh37 (hg19) VCF-style: chr21-46314899-T-C.
Other names: c.1070A>G, p.Lys357Arg (NM_001127491.3); c.863A>G, p.Lys288Arg (NM_001303238.2); short protein forms K288R, K357R.
Identifiers: ClinVar variation 1056441 (VCV001056441.4), dbSNP rs530620955, ClinGen allele CA10062951.